The following is an entry in ClinVar:

NC_000016.10:g.67660364G>A

Genes: ACD (ACD shelterin complex subunit and telomerase recruitment factor; minus strand), LOC130059224 (ATAC-STARR-seq lymphoblastoid silent region 7617; plus strand). Cytogenetic location: 16q22.1.
Variant type: single nucleotide variant.
Genome position: GRCh38 VCF-style: chr16-67660364-G-A. GRCh37 (hg19) VCF-style: chr16-67694267-G-A.
Other names: short protein forms R39C.
Identifiers: ClinVar variation 1736307 (VCV001736307.5), dbSNP rs779396245, ClinGen allele CA8114906.

ClinVar aggregate classification (germline): Uncertain significance. Review status: criteria provided, multiple submitters, no conflicts (2 of 4 stars). 2 submissions from 2 submitters: Uncertain significance (2). Last evaluated 2025-12-23.

Conditions:
Dyskeratosis congenita, autosomal dominant 6 (DKCA6). Identifiers: Orphanet 3322, MedGen C4225284, MONDO:0014690, OMIM 616553.
Inborn genetic diseases. Identifiers: MedGen C0950123, MeSH D030342.

Allele frequency attached by ClinVar (database versions not stated): ExAC 0.00002.

Submissions (2):

Labcorp Genetics (formerly Invitae), Labcorp
Classification: Uncertain significance for Dyskeratosis congenita, autosomal dominant 6. Last evaluated: 2025-12-23. Review status: criteria provided, single submitter. Criteria: Invitae Variant Classification Sherloc (09022015). Collection method: clinical testing. Allele origin: germline.
Comment: This sequence change replaces arginine, which is basic and polar, with cysteine, which is neutral and slightly polar, at codon 39 of the ACD protein (p.Arg39Cys). This variant is present in population databases (rs779396245, gnomAD 0.007%). This variant has not been reported in the literature in individuals affected with ACD-related conditions. ClinVar contains an entry for this variant (Variation ID: 1736307). An algorithm developed to predict the effect of missense changes on protein structure and function outputs the following: PolyPhen-2: "Benign". The cysteine amino acid residue is found in multiple mammalian species, which suggests that this missense change does not adversely affect protein function. In summary, the available evidence is currently insufficient to determine the role of this variant in disease. Therefore, it has been classified as a Variant of Uncertain Significance.

Ambry Genetics
Classification: Uncertain significance for Inborn genetic diseases. Last evaluated: 2021-07-04. Review status: criteria provided, single submitter. Criteria: Ambry Variant Classification Scheme 2023. Collection method: clinical testing. Allele origin: germline.
Comment: The p.R39C variant (also known as c.115C>T), located in coding exon 1 of the ACD gene, results from a C to T substitution at nucleotide position 115. The arginine at codon 39 is replaced by cysteine, an amino acid with highly dissimilar properties. This amino acid position is conserved. In addition, this alteration is predicted to be tolerated by in silico analysis. Since supporting evidence is limited at this time, the clinical significance of this alteration remains unclear.